The following is an entry in ClinVar:

ClinVar aggregate classification (germline): Uncertain significance (1 of 4 stars; one submission).

Conditions:
Inborn genetic diseases. Identifiers: MedGen C0950123, MeSH D030342.

Submission:

Ambry Genetics
Classification: Uncertain significance for Inborn genetic diseases. Last evaluated: 2026-07-05. Review status: criteria provided, single submitter. Criteria: Ambry Variant Classification Scheme 2023. Collection method: clinical testing. Allele origin: germline.
Comment: The p.V705A variant (also known as c.2114T>C), located in coding exon 18 of the KDM1A gene, results from a T to C substitution at nucleotide position 2114. The valine at codon 705 is replaced by alanine, an amino acid with similar properties. This amino acid position is conserved. In addition, this alteration is predicted to be deleterious by in silico analysis. Based on the available evidence, the clinical significance of this variant remains unclear.

NM_001009999.3(KDM1A):c.2114T>C (p.Val705Ala)

Gene: KDM1A (lysine demethylase 1A; plus strand). Cytogenetic location: 1p36.12.
Variant type: single nucleotide variant.
Coding change: c.2114T>C on transcript NM_001009999.3 (MANE Select); coding-DNA position 2114, T replaced by C.
Protein change: p.Val705Ala; replaces valine 705 with alanine.
Molecular consequence: missense variant.
Genome position (GRCh38, 1-based): chr1:23,079,611, T>C. VCF-style: chr1-23079611-T-C. GRCh37 (hg19) VCF-style: chr1-23406104-T-C.
Other names: c.2060T>C, p.Val687Ala (NM_001363654.2); c.2120T>C, p.Val707Ala (NM_001410762.1); c.2042T>C, p.Val681Ala (NM_001410763.1, NM_015013.4); short protein forms V705A, V707A, V687A, V681A.
Identifiers: ClinVar variation 5023055 (VCV005023055.1).